The following is an entry in ClinVar:

NM_032578.4(MYPN):c.2357C>T (p.Pro786Leu)

Gene: MYPN (myopalladin; plus strand). Cytogenetic location: 10q21.3.
Variant type: single nucleotide variant.
Coding change: c.2357C>T on transcript NM_032578.4 (MANE Select); coding-DNA position 2357, C replaced by T.
Protein change: p.Pro786Leu; replaces proline 786 with leucine.
Molecular consequence: missense variant. On other transcripts: non-coding transcript variant (2).
Genome position (GRCh38, 1-based): chr10:68,174,449, C>T. VCF-style: chr10-68174449-C-T. GRCh37 (hg19) VCF-style: chr10-69934206-C-T.
Other names: c.2357C>T, p.Pro786Leu (NM_001256267.2); c.1475C>T, p.Pro492Leu (NM_001256268.2); short protein forms P786L, P492L.
Identifiers: ClinVar variation 4116170 (VCV004116170.2).

ClinVar aggregate classification (germline): Uncertain significance. Review status: criteria provided, multiple submitters, no conflicts (2 of 4 stars). 2 submissions from 2 submitters: Uncertain significance (2). Last evaluated 2026-02-10.

Conditions:
Cardiovascular phenotype. Identifiers: MedGen CN230736.

gnomAD v4.1: 1 of 1,614,154 alleles (0.000062%); highest among the groups gnomAD compares: Non-Finnish European, 0.000085%; no homozygotes.

Submissions (2):

GeneDx
Classification: Uncertain significance. Last evaluated: 2026-02-10. Review status: criteria provided, single submitter. Criteria: GeneDx Variant Classification Process June 2021. Collection method: clinical testing. Allele origin: germline.
Comment: Not observed at significant frequency in large population cohorts (gnomAD); In silico analysis suggests that this missense variant does not alter protein structure/function; Has not been previously published as pathogenic or benign to our knowledge

Ambry Genetics
Classification: Uncertain significance for Cardiovascular phenotype. Last evaluated: 2025-08-30. Review status: criteria provided, single submitter. Criteria: Ambry Variant Classification Scheme 2023. Collection method: clinical testing. Allele origin: germline.
Comment: The p.P786L variant (also known as c.2357C>T), located in coding exon 10 of the MYPN gene, results from a C to T substitution at nucleotide position 2357. The proline at codon 786 is replaced by leucine, an amino acid with similar properties. This amino acid position is conserved. In addition, this alteration is predicted to be tolerated by in silico analysis. Based on the available evidence, the clinical significance of this variant remains unclear.